The following is an entry in ClinVar:

NM_001903.5(CTNNA1):c.785C>T (p.Thr262Ile)

Gene: CTNNA1 (catenin alpha 1; plus strand). Cytogenetic location: 5q31.2.
Variant type: single nucleotide variant.
Coding change: c.785C>T on transcript NM_001903.5 (MANE Select); coding-DNA position 785, C replaced by T.
Protein change: p.Thr262Ile; replaces threonine 262 with isoleucine.
Molecular consequence: missense variant.
Genome position (GRCh38, 1-based): chr5:138,824,726, C>T. VCF-style: chr5-138824726-C-T. GRCh37 (hg19) VCF-style: chr5-138160415-C-T.
Other names: c.785C>T, p.Thr262Ile (NM_001290307.3, NM_001323982.2, NM_001323983.1 and 3 more transcripts); c.476C>T, p.Thr159Ile (NM_001290309.3); c.416C>T, p.Thr139Ile (NM_001290310.3); short protein forms T262I, T139I, T159I.
Identifiers: ClinVar variation 4745129 (VCV004745129.1).
Genomic context (GRCh38, chr5:138,824,726, plus strand): 5'-ACCTGATATACAAGCAGCTGCAGCAGGCGGTCACAGGCATTTCCAATGCAGCCCAGGCCA[C>T]TGCCTCAGACGATGCCTCACAGCACCAGGGTGGAGGAGGAGGAGAACTGGCATATGCACT-3'
Protein context (NP_001894.2, residues 252-272): VTGISNAAQA[Thr262Ile]ASDDASQHQG

ClinVar aggregate classification (germline): Uncertain significance (1 of 4 stars; one submission).

Submission:

Labcorp Genetics (formerly Invitae), Labcorp
Classification: Uncertain significance. Last evaluated: 2025-12-04. Review status: criteria provided, single submitter. Criteria: Invitae Variant Classification Sherloc (09022015). Collection method: clinical testing. Allele origin: germline.
Comment: This sequence change replaces threonine, which is neutral and polar, with isoleucine, which is neutral and non-polar, at codon 262 of the CTNNA1 protein (p.Thr262Ile). This variant is not present in population databases (gnomAD no frequency). This variant has not been reported in the literature in individuals affected with CTNNA1-related conditions. Invitae Evidence Modeling of protein sequence and biophysical properties (such as structural, functional, and spatial information, amino acid conservation, physicochemical variation, residue mobility, and thermodynamic stability) indicates that this missense variant is not expected to disrupt CTNNA1 protein function with a negative predictive value of 80%. In summary, the available evidence is currently insufficient to determine the role of this variant in disease. Therefore, it has been classified as a Variant of Uncertain Significance.